The following is an entry in ClinVar:

NM_001376.5(DYNC1H1):c.9232C>T (p.Arg3078Trp)

Genes: DYNC1H1 (dynein cytoplasmic 1 heavy chain 1; plus strand), LOC126862060 (BRD4-independent group 4 enhancer GRCh37_chr14:102493659-102494858; plus strand). Cytogenetic location: 14q32.31.
Variant type: single nucleotide variant.
Coding change: c.9232C>T on transcript NM_001376.5 (MANE Select); coding-DNA position 9232, C replaced by T.
Protein change: p.Arg3078Trp; replaces arginine 3078 with tryptophan.
Molecular consequence: missense variant.
Genome position (GRCh38, 1-based): chr14:102,027,802, C>T. VCF-style: chr14-102027802-C-T. GRCh37 (hg19) VCF-style: chr14-102494139-C-T.
Other names: short protein forms R3078W.
Identifiers: ClinVar variation 2500385 (VCV002500385.5), dbSNP rs2503805342, ClinGen allele CA391011592.

ClinVar aggregate classification (germline): Uncertain significance. Review status: criteria provided, multiple submitters, no conflicts (2 of 4 stars). 2 submissions from 2 submitters: Uncertain significance (2). Last evaluated 2024-10-09.

Conditions:
Charcot-Marie-Tooth disease axonal type 2O. Also called: CHARCOT-MARIE-TOOTH NEUROPATHY, AXONAL, TYPE 2O; CHARCOT-MARIE-TOOTH DISEASE, AXONAL, AUTOSOMAL DOMINANT, TYPE 2O; Charcot-Marie-Tooth Neuropathy Type 2O; Charcot-Marie-Tooth disease, axonal, type 20. Identifiers: Orphanet 284232, MedGen C3280220, MONDO:0013644, OMIM 614228.

Allele frequency attached by ClinVar (database versions not stated): gnomAD exomes 0.00001.
gnomAD v4.1: 6 of 1,614,150 alleles (0.00037%); highest among the groups gnomAD compares: Non-Finnish European, 0.00051%; no homozygotes.

Submissions (2):

GeneDx
Classification: Uncertain significance. Last evaluated: 2024-10-09. Review status: criteria provided, single submitter. Criteria: GeneDx Variant Classification Process June 2021. Collection method: clinical testing. Allele origin: germline.
Comment: Not observed at significant frequency in large population cohorts (gnomAD); In silico analysis supports that this missense variant has a deleterious effect on protein structure/function; Has not been previously published as pathogenic or benign to our knowledge; This variant is associated with the following publications: (PMID: 25512093, 25609763, 26100331)

Labcorp Genetics (formerly Invitae), Labcorp
Classification: Uncertain significance for Charcot-Marie-Tooth disease axonal type 2O. Last evaluated: 2023-10-06. Review status: criteria provided, single submitter. Criteria: Invitae Variant Classification Sherloc (09022015). Collection method: clinical testing. Allele origin: germline.
Comment: This sequence change replaces arginine, which is basic and polar, with tryptophan, which is neutral and slightly polar, at codon 3078 of the DYNC1H1 protein (p.Arg3078Trp). This variant is not present in population databases (gnomAD no frequency). This variant has not been reported in the literature in individuals affected with DYNC1H1-related conditions. ClinVar contains an entry for this variant (Variation ID: 2500385). Advanced modeling of protein sequence and biophysical properties (such as structural, functional, and spatial information, amino acid conservation, physicochemical variation, residue mobility, and thermodynamic stability) performed at Invitae indicates that this missense variant is expected to disrupt DYNC1H1 protein function. In summary, the available evidence is currently insufficient to determine the role of this variant in disease. Therefore, it has been classified as a Variant of Uncertain Significance.